The following is an entry in ClinVar:

ClinVar aggregate classification (germline): Uncertain significance (1 of 4 stars; one submission).

Conditions:
Congenital myotonia, autosomal dominant form (THD). Also called: THOMSEN DISEASE; Myotonia congenita autosomal dominant. Identifiers: Orphanet 614, MedGen C2936781, MONDO:0008055, OMIM 160800.
Congenital myotonia, autosomal recessive form. Also called: Becker Generalized Myotonia; myotonia congenita, autosomal recessive; BECKER DISEASE. Identifiers: Orphanet 614, MedGen C0751360, MONDO:0009715, OMIM 255700.

Submission:

Labcorp Genetics (formerly Invitae), Labcorp
Classification: Uncertain significance for Congenital myotonia, autosomal recessive form; Congenital myotonia, autosomal dominant form. Last evaluated: 2019-06-09. Review status: criteria provided, single submitter. Criteria: Invitae Variant Classification Sherloc (09022015). Collection method: clinical testing. Allele origin: germline.
Comment: In summary, the available evidence is currently insufficient to determine the role of this variant in disease. Therefore, it has been classified as a Variant of Uncertain Significance. Algorithms developed to predict the effect of missense changes on protein structure and function output the following: SIFT: "Tolerated"; PolyPhen-2: "Benign"; Align-GVGD: "Class C0". The proline amino acid residue is found in multiple mammalian species, suggesting that this missense change does not adversely affect protein function. These predictions have not been confirmed by published functional studies and their clinical significance is uncertain. This variant has not been reported in the literature in individuals with CLCN1-related conditions. This variant is not present in population databases (ExAC no frequency). This sequence change replaces serine with proline at codon 935 of the CLCN1 protein (p.Ser935Pro). The serine residue is moderately conserved and there is a moderate physicochemical difference between serine and proline.

NM_000083.3(CLCN1):c.2803T>C (p.Ser935Pro)

Gene: CLCN1 (chloride voltage-gated channel 1; plus strand). Cytogenetic location: 7q34.
Variant type: single nucleotide variant.
Coding change: c.2803T>C on transcript NM_000083.3 (MANE Select); coding-DNA position 2803, T replaced by C.
Protein change: p.Ser935Pro; replaces serine 935 with proline.
Molecular consequence: missense variant. On other transcripts: non-coding transcript variant (1).
Genome position (GRCh38, 1-based): chr7:143,351,801, T>C. VCF-style: chr7-143351801-T-C. GRCh37 (hg19) VCF-style: chr7-143048894-T-C.
Other names: short protein forms S935P.
Identifiers: ClinVar variation 937893 (VCV000937893.9), dbSNP rs1803417569, ClinGen allele CA369653840.
Genomic context (GRCh38, chr7:143,351,801, plus strand): 5'-GGGGCCACTGGAACAGGGGATGTGATTGCTGCCTCCCCAGAGACCCCTGTGCCATCTCCT[T>C]CCCCAGAGCCCCCTCTCTCCCTGGCCCCAGGCAAGGTAGAGGGCGAGTTGGAGGAGCTGG-3'
Protein context (NP_000074.3, residues 925-945): ASPETPVPSP[Ser935Pro]PEPPLSLAPG